The following is an entry in ClinVar:

ClinVar aggregate classification (germline): Likely benign. Review status: criteria provided, single submitter (1 of 4 stars). 2 submissions from 2 submitters: Likely benign (1). 1 of the submissions does not count toward it. Last evaluated 2025-10-15.

Conditions:
SYNE1-related disorder. Also called: SYNE1-related disorders; SYNE1-related disease; SYNE1-related condition.
Emery-Dreifuss muscular dystrophy 4, autosomal dominant (EDMD4). Also called: EMERY-DREIFUSS MUSCULAR DYSTROPHY 4 WITH VARIABLE FEATURES. Identifiers: Orphanet 261, MedGen C2751807, MONDO:0013071, OMIM 612998.
Autosomal recessive ataxia, Beauce type. Also called: Spinocerebellar ataxia, autosomal recessive 8; ATAXIA, RECESSIVE, OF BEAUCE; SYNE1 Deficiency; SYNE1-Related Autosomal Recessive Cerebellar Ataxia. Identifiers: Orphanet 88644, MedGen C1853116, MONDO:0012549, OMIM 610743.

Allele frequency attached by ClinVar (database versions not stated): gnomAD 0.00002 and 0.00001; 1000 Genomes Project 30x 0.00016; 1000 Genomes Project 0.00020; TOPMed 0.00001; ExAC 0.00002.
gnomAD v4.1: 34 of 1,612,126 alleles (0.0021%); highest among the groups gnomAD compares: Admixed American, 0.01%; no homozygotes.

Submissions (2):

Labcorp Genetics (formerly Invitae), Labcorp
Classification: Likely benign for Emery-Dreifuss muscular dystrophy 4, autosomal dominant; Autosomal recessive ataxia, Beauce type. Last evaluated: 2025-10-15. Review status: criteria provided, single submitter. Criteria: Invitae Variant Classification Sherloc (09022015). Collection method: clinical testing. Allele origin: germline.

PreventionGenetics, part of Exact Sciences
Classification: Likely benign for SYNE1-related condition. Last evaluated: 2019-06-17. Review status: no assertion criteria provided. Collection method: clinical testing. Allele origin: germline. Not counted in ClinVar's aggregate classification.
Comment: This variant is classified as likely benign based on ACMG/AMP sequence variant interpretation guidelines (Richards et al. 2015 PMID: 25741868, with internal and published modifications).

NM_182961.4(SYNE1):c.6813G>A (p.Pro2271=)

Genes: SYNE1 (spectrin repeat containing nuclear envelope protein 1; minus strand), SYNE1-AS2 (SYNE1 antisense RNA 2; plus strand). Cytogenetic location: 6q25.2.
Variant type: single nucleotide variant.
Coding change: c.6813G>A on transcript NM_182961.4 (MANE Select); coding-DNA position 6813, G replaced by A.
Protein change: p.Pro2271=; no amino-acid change (proline 2271 retained).
Molecular consequence: synonymous variant.
Genome position (GRCh38, 1-based): chr6:152,404,225, C>T on the plus strand (G>A on the coding strand, the complement: SYNE1 is on the minus strand). VCF-style: chr6-152404225-C-T. GRCh37 (hg19) VCF-style: chr6-152725360-C-T.
Other names: c.6834G>A, p.Pro2278= (NM_033071.5).
Identifiers: ClinVar variation 772707 (VCV000772707.11), dbSNP rs138911730, ClinGen allele CA4057991.